The following is an entry in ClinVar:

ClinVar aggregate classification (germline): Conflicting classifications of pathogenicity. Review status: criteria provided, conflicting classifications (1 of 4 stars). 4 submissions from 4 submitters: Uncertain significance (1); Benign (2); Likely benign (1). Last evaluated 2026-03-01.

Conditions:
Ectopia lentis 2, isolated, autosomal recessive (ECTOL2). Identifiers: Orphanet 1885, MedGen C3541474, MONDO:0009152, OMIM 225100.

Allele frequency attached by ClinVar (database versions not stated): 1000 Genomes Project 30x 0.00328; ESP Exome Variant Server 0.00385; 1000 Genomes Project 0.00399; TOPMed 0.00399.
gnomAD v4.1: 1,583 of 1,613,054 alleles (0.098%); highest among the groups gnomAD compares: African/African-American, 1%; 4 homozygotes.

Submissions (4):

CeGaT Center for Human Genetics Tuebingen
Classification: Likely benign. Last evaluated: 2026-03-01. Review status: criteria provided, single submitter. Criteria: CeGaT Center For Human Genetics Tuebingen Variant Classification Criteria Version 2. Collection method: clinical testing. Allele origin: germline. Affected: yes. Observed: 2 variant alleles.
Comment: ADAMTSL4: BP4, BS1

Labcorp Genetics (formerly Invitae), Labcorp
Classification: Benign. Last evaluated: 2026-01-27. Review status: criteria provided, single submitter. Criteria: Invitae Variant Classification Sherloc (09022015). Collection method: clinical testing. Allele origin: germline.

GeneDx
Classification: Uncertain significance. Last evaluated: 2021-06-03. Review status: criteria provided, single submitter. Criteria: GeneDx Variant Classification Process June 2021. Collection method: clinical testing. Allele origin: germline. Affected: yes.
Comment: In silico analysis, which includes protein predictors and evolutionary conservation, supports a deleterious effect; Has not been previously published as pathogenic or benign to our knowledge

Illumina Laboratory Services, Illumina
Classification: Benign for Ectopia lentis 2, isolated, autosomal recessive. Last evaluated: 2018-01-12. Review status: criteria provided, single submitter. Criteria: ICSL Variant Classification Criteria 13 December 2019. Collection method: clinical testing. Allele origin: germline.
Comment: This variant was observed in the ICSL laboratory as part of a predisposition screen in an ostensibly healthy population. It had not been previously curated by ICSL or reported in the Human Gene Mutation Database (HGMD: prior to June 1st, 2018), and was therefore a candidate for classification through an automated scoring system. Utilizing variant allele frequency, disease prevalence and penetrance estimates, and inheritance mode, an automated score was calculated to assess if this variant is too frequent to cause the disease. Based on the score and internal cut-off values, a variant classified as benign is not then subjected to further curation. The score for this variant resulted in a classification of benign for this disease.

NM_019032.6(ADAMTSL4):c.2288C>T (p.Pro763Leu)

Gene: ADAMTSL4 (ADAMTS like 4; plus strand). Cytogenetic location: 1q21.2.
Variant type: single nucleotide variant.
Coding change: c.2288C>T on transcript NM_019032.6 (MANE Select); coding-DNA position 2288, C replaced by T.
Protein change: p.Pro763Leu; replaces proline 763 with leucine.
Molecular consequence: missense variant.
Genome position (GRCh38, 1-based): chr1:150,558,055, C>T. VCF-style: chr1-150558055-C-T. GRCh37 (hg19) VCF-style: chr1-150530531-C-T.
Other names: c.2171C>T, p.Pro724Leu (NM_001288607.2); c.2357C>T, p.Pro786Leu (NM_001288608.2); c.2288C>T, p.Pro763Leu (NM_001378596.1, NM_025008.5); short protein forms P763L, P786L, P724L.
Identifiers: ClinVar variation 292550 (VCV000292550.25), dbSNP rs56055939, ClinGen allele CA1078611.